The following is an entry in ClinVar:

NM_004393.6(DAG1):c.2129C>T (p.Ser710Phe)

Gene: DAG1 (dystroglycan 1; plus strand). Cytogenetic location: 3p21.31.
Variant type: single nucleotide variant.
Coding change: c.2129C>T on transcript NM_004393.6 (MANE Select); coding-DNA position 2129, C replaced by T.
Protein change: p.Ser710Phe; replaces serine 710 with phenylalanine.
Molecular consequence: missense variant.
Genome position (GRCh38, 1-based): chr3:49,532,640, C>T. VCF-style: chr3-49532640-C-T. GRCh37 (hg19) VCF-style: chr3-49570073-C-T.
Other names: c.2129C>T, p.Ser710Phe (NM_001165928.4, NM_001177634.3, NM_001177635.3 and 9 more transcripts); short protein forms S710F.
Identifiers: ClinVar variation 3893441 (VCV003893441.1).

ClinVar aggregate classification (germline): Uncertain significance (1 of 4 stars; one submission).

gnomAD v4.1: 4 of 1,614,056 alleles (0.00025%); highest among the groups gnomAD compares: Admixed American, 0.0033%; no homozygotes.

Submission:

GeneDx
Classification: Uncertain significance. Last evaluated: 2024-10-23. Review status: criteria provided, single submitter. Criteria: GeneDx Variant Classification Process June 2021. Collection method: clinical testing. Allele origin: germline. Affected: yes.
Comment: Not observed at significant frequency in large population cohorts (gnomAD); In silico analysis indicates that this missense variant does not alter protein structure/function; Has not been previously published as pathogenic or benign to our knowledge